The following is an entry in ClinVar:

ClinVar aggregate classification (germline): Benign/Likely benign. Review status: criteria provided, multiple submitters, no conflicts (2 of 4 stars). 5 submissions from 5 submitters: Benign (2); Likely benign (2). 1 of the submissions does not count toward it. Last evaluated 2026-01-09.

Conditions:
Tuberous sclerosis syndrome (TSC). Also called: Tuberous Sclerosis Complex; Tuberous sclerosis. Identifiers: Orphanet 805, MedGen C0041341, MONDO:0001734.
Tuberous sclerosis 2 (TSC2). Identifiers: Orphanet 805, MedGen C1860707, MONDO:0013199, OMIM 613254.

Allele frequency attached by ClinVar (database versions not stated): gnomAD 0.00001 and 0.00002; gnomAD exomes 0.00002 and 0.00005; TOPMed 0.00004; ExAC 0.00007.
gnomAD v4.1: 28 of 1,606,830 alleles (0.0017%); highest among the groups gnomAD compares: East Asian, 0.009%; no homozygotes.

Submissions (5):

Labcorp Genetics (formerly Invitae), Labcorp
Classification: Benign for Tuberous sclerosis 2. Last evaluated: 2026-01-09. Review status: criteria provided, single submitter. Criteria: Invitae Variant Classification Sherloc (09022015). Collection method: clinical testing. Allele origin: germline.

Blueprint Genetics
Classification: Likely benign. Last evaluated: 2024-11-15. Review status: criteria provided, single submitter. Criteria: ACMG Guidelines, 2015. Collection method: clinical testing. Allele origin: germline.

Myriad Genetics, Inc.
Classification: Benign for Tuberous sclerosis 2. Last evaluated: 2024-09-09. Review status: criteria provided, single submitter. Criteria: Myriad Autosomal Dominant, Autosomal Recessive and X-Linked Classification Criteria (2023). Collection method: clinical testing. Allele origin: unknown.
Comment: This variant is considered benign. This variant is intronic and is not expected to impact mRNA splicing. This variant has been observed at a population frequency that is significantly greater than expected given the associated disease prevalence and penetrance.

PreventionGenetics, part of Exact Sciences
Classification: Likely benign. Review status: criteria provided, single submitter. Criteria: ACMG Guidelines, 2015. Collection method: clinical testing. Allele origin: germline.

Tuberous sclerosis database (TSC2)
No classification provided. Condition: TSC. Review status: no classification provided. Criteria: Tuberous Sclerosis Database Assertion Criteria 2015. Collection method: curation. Allele origin: germline. Affected: yes. Not counted in ClinVar's aggregate classification.

NM_000548.5(TSC2):c.3285-19C>T

Gene: TSC2 (TSC complex subunit 2; plus strand). Cytogenetic location: 16p13.3.
Variant type: single nucleotide variant.
Coding change: c.3285-19C>T on transcript NM_000548.5 (MANE Select); 19 bases into the intron before coding-DNA position 3285, C replaced by T.
Molecular consequence: intron variant.
Genome position (GRCh38, 1-based): chr16:2,079,538, C>T. VCF-style: chr16-2079538-C-T. GRCh37 (hg19) VCF-style: chr16-2129539-C-T.
Other names: c.3285-19C>T (NM_001114382.3); c.3156-19C>T (NM_021055.3, NM_001370405.1, NM_001363528.2); c.3153-19C>T (NM_001370404.1, NM_001077183.3); c.3045-19C>T (NM_001318827.2); c.2553-19C>T (NM_001318831.2); c.3009-19C>T (NM_001318829.2); c.3186-19C>T (NM_001318832.2).
Identifiers: ClinVar variation 49785 (VCV000049785.10), dbSNP rs45517291, ClinGen allele CA018836.